The following is an entry in ClinVar:

ClinVar aggregate classification (germline): Uncertain significance. Review status: criteria provided, multiple submitters, no conflicts (2 of 4 stars). 3 submissions from 3 submitters: Uncertain significance (3). Last evaluated 2024-03-26.

Conditions:
Neuropathy, hereditary sensory and autonomic, type 2A (HSAN2A). Also called: ACROOSTEOLYSIS, GIACCAI TYPE; ACROOSTEOLYSIS, NEUROGENIC; MORVAN DISEASE; NEUROPATHY, CONGENITAL SENSORY; NEUROPATHY, HEREDITARY SENSORY RADICULAR, AUTOSOMAL RECESSIVE; NEUROPATHY, HEREDITARY SENSORY, TYPE IIA. Identifiers: Orphanet 970, MedGen C2752089, MONDO:0024309, OMIM 201300.
Pseudohypoaldosteronism type 2C (PHA2C). Also called: Pseudohypoaldosteronism Type IIC. Identifiers: Orphanet 757, Orphanet 88940, MedGen C1840391, MONDO:0013778, OMIM 614492.

Allele frequency attached by ClinVar (database versions not stated): gnomAD exomes 0.00001.
gnomAD v4.1: 5 of 1,614,194 alleles (0.00031%); highest among the groups gnomAD compares: East Asian, 0.0045%; no homozygotes.

Submissions (3):

Labcorp Genetics (formerly Invitae), Labcorp
Classification: Uncertain significance for Neuropathy, hereditary sensory and autonomic, type 2A; Pseudohypoaldosteronism type 2C. Last evaluated: 2024-03-26. Review status: criteria provided, single submitter. Criteria: Invitae Variant Classification Sherloc (09022015). Collection method: clinical testing. Allele origin: germline.
Comment: This sequence change replaces glutamine, which is neutral and polar, with arginine, which is basic and polar, at codon 1473 of the WNK1 protein (p.Gln1473Arg). This variant is present in population databases (no rsID available, gnomAD 0.01%). This variant has not been reported in the literature in individuals affected with WNK1-related conditions. ClinVar contains an entry for this variant (Variation ID: 310821). Experimental studies and prediction algorithms are not available or were not evaluated, and the functional significance of this variant is currently unknown. In summary, the available evidence is currently insufficient to determine the role of this variant in disease. Therefore, it has been classified as a Variant of Uncertain Significance.

Fulgent Genetics
Classification: Uncertain significance for Neuropathy, hereditary sensory and autonomic, type 2A; Pseudohypoaldosteronism type 2C. Last evaluated: 2024-02-29. Review status: criteria provided, single submitter. Criteria: ACMG Guidelines, 2015. Collection method: clinical testing. Allele origin: germline.

Illumina Laboratory Services, Illumina
Classification: Uncertain significance for Pseudohypoaldosteronism type 2C. Last evaluated: 2018-01-13. Review status: criteria provided, single submitter. Criteria: ICSL Variant Classification Criteria 13 December 2019. Collection method: clinical testing. Allele origin: germline.

NM_018979.4(WNK1):c.3662A>G (p.Gln1221Arg)

Gene: WNK1 (WNK lysine deficient protein kinase 1; plus strand). Cytogenetic location: 12p13.33.
Variant type: single nucleotide variant.
Coding change: c.3662A>G on transcript NM_018979.4 (MANE Select); coding-DNA position 3662, A replaced by G.
Protein change: p.Gln1221Arg; replaces glutamine 1221 with arginine.
Molecular consequence: missense variant.
Genome position (GRCh38, 1-based): chr12:883,567, A>G. VCF-style: chr12-883567-A-G. GRCh37 (hg19) VCF-style: chr12-992733-A-G.
Other names: c.4442A>G, p.Gln1481Arg (NM_001184985.2); c.2921A>G, p.Gln974Arg (NM_014823.3); c.4418A>G, p.Gln1473Arg (NM_213655.5); short protein forms Q1473R, Q1221R, Q1481R, Q974R.
Identifiers: ClinVar variation 310821 (VCV000310821.9), dbSNP rs886049925, ClinGen allele CA10642548.